The following is an entry in ClinVar:

ClinVar aggregate classification (germline): Uncertain significance. Review status: criteria provided, single submitter (1 of 4 stars). 2 submissions from 2 submitters: Uncertain significance (1). 1 of the submissions does not count toward it. Last evaluated 2025-08-29.

Conditions:
DYRK1B-related disorder. Also called: DYRK1B-related condition.

gnomAD v4.1: 27 of 1,548,610 alleles (0.0017%); highest among the groups gnomAD compares: Middle Eastern, 0.023%; no homozygotes.

Submissions (2):

Labcorp Genetics (formerly Invitae), Labcorp
Classification: Uncertain significance. Last evaluated: 2025-08-29. Review status: criteria provided, single submitter. Criteria: Invitae Variant Classification Sherloc (09022015). Collection method: clinical testing. Allele origin: germline.
Comment: This sequence change falls in intron 2 of the DYRK1B gene. It does not directly change the encoded amino acid sequence of the DYRK1B protein. It affects a nucleotide within the consensus splice site. This variant is present in population databases (no rsID available, gnomAD 0.02%). This variant has not been reported in the literature in individuals affected with DYRK1B-related conditions. ClinVar contains an entry for this variant (Variation ID: 3350694). Variants that disrupt the consensus splice site are a relatively common cause of aberrant splicing (PMID: 17576681, 9536098). Algorithms developed to predict the effect of sequence changes on RNA splicing suggest that this variant is not likely to affect RNA splicing. In summary, the available evidence is currently insufficient to determine the role of this variant in disease. Therefore, it has been classified as a Variant of Uncertain Significance.

PreventionGenetics, part of Exact Sciences
Classification: Likely benign for DYRK1B-related condition. Last evaluated: 2024-04-10. Review status: no assertion criteria provided. Collection method: clinical testing. Allele origin: germline. Not counted in ClinVar's aggregate classification.
Comment: This variant is classified as likely benign based on ACMG/AMP sequence variant interpretation guidelines (Richards et al. 2015 PMID: 25741868, with internal and published modifications).

Literature cited by the submitters: PubMed 17576681 (cited by Labcorp Genetics (formerly Invitae), Labcorp); PubMed 9536098 (cited by Labcorp Genetics (formerly Invitae), Labcorp).

NM_004714.3(DYRK1B):c.63+5G>A

Gene: DYRK1B (dual specificity tyrosine phosphorylation regulated kinase 1B; minus strand). Cytogenetic location: 19q13.2.
Variant type: single nucleotide variant.
Coding change: c.63+5G>A on transcript NM_004714.3 (MANE Select); 5 bases into the intron after coding-DNA position 63, G replaced by A.
Molecular consequence: intron variant.
Genome position (GRCh38, 1-based): chr19:39,831,800, C>T on the plus strand (G>A on the coding strand, the complement: DYRK1B is on the minus strand). VCF-style: chr19-39831800-C-T. GRCh37 (hg19) VCF-style: chr19-40322440-C-T.
Other names: c.63+5G>A (NM_006483.3, NM_006484.3).
Identifiers: ClinVar variation 3350694 (VCV003350694.2).
Genomic context (GRCh38, chr19:39,831,800, plus strand): 5'-GGAGACCTTTCTATCCCCAGCCTCCCCCTACCACCACGCAGGTGAGGAGCCAGCTGAACG[C>T]GTACCTGCGTGTGCTCCTGGGGCCCTGGGAAGCCAGAGAAGGGACCATGGCCCGGTGGGA-3'